The following is an entry in ClinVar:

NM_014714.4(IFT140):c.1585A>G (p.Ile529Val)

Gene: IFT140 (intraflagellar transport 140; minus strand). Cytogenetic location: 16p13.3.
Variant type: single nucleotide variant.
Coding change: c.1585A>G on transcript NM_014714.4 (MANE Select); coding-DNA position 1585, A replaced by G.
Protein change: p.Ile529Val; replaces isoleucine 529 with valine.
Molecular consequence: missense variant.
Genome position (GRCh38, 1-based): chr16:1,571,474, T>C on the plus strand (A>G on the coding strand, the complement: IFT140 is on the minus strand). VCF-style: chr16-1571474-T-C. GRCh37 (hg19) VCF-style: chr16-1621475-T-C.
Other names: short protein forms I529V.
Identifiers: ClinVar variation 1675597 (VCV001675597.36), dbSNP rs145895414, ClinGen allele CA7814217.

ClinVar aggregate classification (germline): Conflicting classifications of pathogenicity. Review status: criteria provided, conflicting classifications (1 of 4 stars). 3 submissions from 3 submitters: Uncertain significance (1); Likely benign (2). Last evaluated 2024-10-01.

Conditions:
Saldino-Mainzer syndrome (SRTD9). Also called: Renal dysplasia, retinal pigmentary dystrophy, cerebellar ataxia and skeletal dysplasia; SHORT-RIB THORACIC DYSPLASIA 9 WITHOUT POLYDACTYLY; short-rib thoracic dysplasia 9 with or without polydactyly; CONORENAL SYNDROME. Identifiers: Orphanet 140969, MedGen C1849437, MONDO:0009964, OMIM 266920.

Allele frequency attached by ClinVar (database versions not stated): ExAC 0.00001; gnomAD 0.00001; gnomAD exomes 0.00001 and 0.00002; TOPMed 0.00001; ESP Exome Variant Server 0.00015.
gnomAD v4.1: 20 of 1,613,960 alleles (0.0012%); highest among the groups gnomAD compares: Middle Eastern, 0.016%; no homozygotes.

Submissions (3):

CeGaT Center for Human Genetics Tuebingen
Classification: Likely benign. Last evaluated: 2024-10-01. Review status: criteria provided, single submitter. Criteria: CeGaT Center For Human Genetics Tuebingen Variant Classification Criteria Version 2. Collection method: clinical testing. Allele origin: germline. Affected: yes. Observed: 3 variant alleles.
Comment: IFT140: BP4

Blueprint Genetics
Classification: Likely benign. Last evaluated: 2024-02-27. Review status: criteria provided, single submitter. Criteria: ACMG Guidelines, 2015. Collection method: clinical testing. Allele origin: germline.

Labcorp Genetics (formerly Invitae), Labcorp
Classification: Uncertain significance for Saldino-Mainzer syndrome. Last evaluated: 2022-02-24. Review status: criteria provided, single submitter. Criteria: Invitae Variant Classification Sherloc (09022015). Collection method: clinical testing. Allele origin: germline.
Comment: This sequence change replaces isoleucine, which is neutral and non-polar, with valine, which is neutral and non-polar, at codon 529 of the IFT140 protein (p.Ile529Val). This variant is present in population databases (rs145895414, gnomAD 0.004%). This variant has not been reported in the literature in individuals affected with IFT140-related conditions. Algorithms developed to predict the effect of missense changes on protein structure and function output the following: SIFT: "Tolerated"; PolyPhen-2: "Benign"; Align-GVGD: "Class C0". The valine amino acid residue is found in multiple mammalian species, which suggests that this missense change does not adversely affect protein function. In summary, the available evidence is currently insufficient to determine the role of this variant in disease. Therefore, it has been classified as a Variant of Uncertain Significance.